The following is an entry in ClinVar:

ClinVar aggregate classification (germline): Uncertain significance (1 of 4 stars; one submission).

Submission:

Labcorp Genetics (formerly Invitae), Labcorp
Classification: Uncertain significance. Last evaluated: 2023-11-25. Review status: criteria provided, single submitter. Criteria: Invitae Variant Classification Sherloc (09022015). Collection method: clinical testing. Allele origin: germline.
Comment: This sequence change replaces serine, which is neutral and polar, with arginine, which is basic and polar, at codon 381 of the TFAP2B protein (p.Ser381Arg). This variant is not present in population databases (gnomAD no frequency). This variant has not been reported in the literature in individuals affected with TFAP2B-related conditions. Advanced modeling of protein sequence and biophysical properties (such as structural, functional, and spatial information, amino acid conservation, physicochemical variation, residue mobility, and thermodynamic stability) performed at Invitae indicates that this missense variant is not expected to disrupt TFAP2B protein function with a negative predictive value of 80%. In summary, the available evidence is currently insufficient to determine the role of this variant in disease. Therefore, it has been classified as a Variant of Uncertain Significance.

NM_003221.4(TFAP2B):c.1143C>A (p.Ser381Arg)

Gene: TFAP2B (transcription factor AP-2 beta; plus strand). Cytogenetic location: 6p12.3.
Variant type: single nucleotide variant.
Coding change: c.1143C>A on transcript NM_003221.4 (MANE Select); coding-DNA position 1143, C replaced by A.
Protein change: p.Ser381Arg; replaces serine 381 with arginine.
Molecular consequence: missense variant.
Genome position (GRCh38, 1-based): chr6:50,843,152, C>A. VCF-style: chr6-50843152-C-A. GRCh37 (hg19) VCF-style: chr6-50810865-C-A.
Other names: short protein forms S381R.
Identifiers: ClinVar variation 2869951 (VCV002869951.3), dbSNP rs781470330, ClinGen allele CA364415937.